The following is an entry in ClinVar:

ClinVar aggregate classification (germline): Uncertain significance. Review status: criteria provided, multiple submitters, no conflicts (2 of 4 stars). 2 submissions from 2 submitters: Uncertain significance (2). Last evaluated 2023-07-07.

Conditions:
Arrhythmogenic right ventricular dysplasia 13. Also called: ARRHYTHMOGENIC RIGHT VENTRICULAR CARDIOMYOPATHY 13; Arrhythmogenic right ventricular dysplasia, familial, 13. Identifiers: MedGen C3810138, MONDO:0000908, OMIM 615616.

Allele frequency attached by ClinVar (database versions not stated): gnomAD exomes 0.00001; TOPMed 0.00001.
gnomAD v4.1: 10 of 1,613,886 alleles (0.00062%); highest among the groups gnomAD compares: Non-Finnish European, 0.00085%; no homozygotes.

Submissions (2):

Labcorp Genetics (formerly Invitae), Labcorp
Classification: Uncertain significance for Arrhythmogenic right ventricular dysplasia 13. Last evaluated: 2023-07-07. Review status: criteria provided, single submitter. Criteria: Invitae Variant Classification Sherloc (09022015). Collection method: clinical testing. Allele origin: germline.
Comment: In summary, the available evidence is currently insufficient to determine the role of this variant in disease. Therefore, it has been classified as a Variant of Uncertain Significance. Advanced modeling of protein sequence and biophysical properties (such as structural, functional, and spatial information, amino acid conservation, physicochemical variation, residue mobility, and thermodynamic stability) performed at Invitae indicates that this missense variant is not expected to disrupt CTNNA3 protein function. ClinVar contains an entry for this variant (Variation ID: 2478675). This variant has not been reported in the literature in individuals affected with CTNNA3-related conditions. This variant is not present in population databases (gnomAD no frequency). This sequence change replaces isoleucine, which is neutral and non-polar, with methionine, which is neutral and non-polar, at codon 296 of the CTNNA3 protein (p.Ile296Met).

Ambry Genetics
Classification: Uncertain significance. Last evaluated: 2023-01-24. Review status: criteria provided, single submitter. Criteria: Ambry Variant Classification Scheme 2023. Collection method: clinical testing. Allele origin: germline.

NM_013266.4(CTNNA3):c.888A>G (p.Ile296Met)

Gene: CTNNA3 (catenin alpha 3; minus strand). Cytogenetic location: 10q21.3.
Variant type: single nucleotide variant.
Coding change: c.888A>G on transcript NM_013266.4 (MANE Select); coding-DNA position 888, A replaced by G.
Protein change: p.Ile296Met; replaces isoleucine 296 with methionine.
Molecular consequence: missense variant.
Genome position (GRCh38, 1-based): chr10:67,180,476, T>C on the plus strand (A>G on the coding strand, the complement: CTNNA3 is on the minus strand). VCF-style: chr10-67180476-T-C. GRCh37 (hg19) VCF-style: chr10-68940234-T-C.
Other names: c.888A>G, p.Ile296Met (NM_001127384.3); c.924A>G, p.Ile308Met (NM_001291133.2); short protein forms I296M, I308M.
Identifiers: ClinVar variation 2478675 (VCV002478675.5), dbSNP rs1452373862, ClinGen allele CA377097028.
Genomic context (GRCh38, chr10:67,180,476, plus strand): 5'-ATCCGCCAGCAGAGCAGCCCCACTGATAATGGCTTCAAGGCGTTTCTCTAGTGATGGTCG[T>C]ATTTCCTCCTCAGTTACTGTGAGTGGATTCAGGACAATTAAATTCTAAGAGAAGAACACA-3'
Protein context (NP_037398.2, residues 286-306): LNPLTVTEEE[Ile296Met]RPSLEKRLEA